The following is an entry in ClinVar:

NM_001128840.3(CACNA1D):c.2573C>T (p.Ala858Val)

Gene: CACNA1D (calcium voltage-gated channel subunit alpha1 D; plus strand). Cytogenetic location: 3p21.1.
Variant type: single nucleotide variant.
Coding change: c.2573C>T on transcript NM_001128840.3 (MANE Select); coding-DNA position 2573, C replaced by T.
Protein change: p.Ala858Val; replaces alanine 858 with valine.
Molecular consequence: missense variant.
Genome position (GRCh38, 1-based): chr3:53,732,914, C>T. VCF-style: chr3-53732914-C-T. GRCh37 (hg19) VCF-style: chr3-53766941-C-T.
Other names: c.2633C>T, p.Ala878Val (NM_000720.4); c.2573C>T, p.Ala858Val (NM_001128839.3); short protein forms A858V, A878V.
Identifiers: ClinVar variation 1936860 (VCV001936860.5), dbSNP rs568467080, ClinGen allele CA2454283.

ClinVar aggregate classification (germline): Uncertain significance (1 of 4 stars; one submission).

Allele frequency attached by ClinVar (database versions not stated): ExAC 0.00002; gnomAD 0.00002; gnomAD exomes 0.00002; TOPMed 0.00002; 1000 Genomes Project 30x 0.00016; 1000 Genomes Project 0.00020.
gnomAD v4.1: 32 of 1,613,910 alleles (0.002%); highest among the groups gnomAD compares: Non-Finnish European, 0.0025%; no homozygotes.

Submission:

Labcorp Genetics (formerly Invitae), Labcorp
Classification: Uncertain significance. Last evaluated: 2025-07-01. Review status: criteria provided, single submitter. Criteria: Invitae Variant Classification Sherloc (09022015). Collection method: clinical testing. Allele origin: germline.
Comment: This sequence change replaces alanine, which is neutral and non-polar, with valine, which is neutral and non-polar, at codon 878 of the CACNA1D protein (p.Ala878Val). This variant is present in population databases (rs568467080, gnomAD 0.007%). This variant has not been reported in the literature in individuals affected with CACNA1D-related conditions. ClinVar contains an entry for this variant (Variation ID: 1936860). Invitae Evidence Modeling of protein sequence and biophysical properties (such as structural, functional, and spatial information, amino acid conservation, physicochemical variation, residue mobility, and thermodynamic stability) indicates that this missense variant is not expected to disrupt CACNA1D protein function with a negative predictive value of 80%. In summary, the available evidence is currently insufficient to determine the role of this variant in disease. Therefore, it has been classified as a Variant of Uncertain Significance.